The following is an entry in ClinVar:

NM_000455.5(STK11):c.1003A>G (p.Met335Val)

Genes: STK11 (serine/threonine kinase 11; plus strand), LOC130062899 (ATAC-STARR-seq lymphoblastoid active region 13597; plus strand). Cytogenetic location: 19p13.3.
Variant type: single nucleotide variant.
Coding change: c.1003A>G on transcript NM_000455.5 (MANE Select); coding-DNA position 1003, A replaced by G.
Protein change: p.Met335Val; replaces methionine 335 with valine.
Molecular consequence: missense variant.
Genome position (GRCh38, 1-based): chr19:1,223,067, A>G. VCF-style: chr19-1223067-A-G. GRCh37 (hg19) VCF-style: chr19-1223066-A-G.
Other names: short protein forms M335V.
Identifiers: ClinVar variation 485008 (VCV000485008.6), dbSNP rs768144275, ClinGen allele CA044671.
Genomic context (GRCh38, chr19:1,223,067, plus strand): 5'-CCGGCTGAAGCACCAGTGCCCATCCCACCGAGCCCAGACACCAAGGACCGGTGGCGCAGC[A>G]TGACTGTGGTGCCGTACTTGGAGGACCTGCACGGCGCGGACGAGGACGAGGACCTCTTCG-3'
Protein context (NP_000446.1, residues 325-345): SPDTKDRWRS[Met335Val]TVVPYLEDLH

ClinVar aggregate classification (germline): Uncertain significance (1 of 4 stars; one submission).

Conditions:
Hereditary cancer-predisposing syndrome. Also called: Neoplastic Syndromes, Hereditary; Tumor predisposition; Hereditary Cancer Syndrome; Hereditary neoplastic syndrome. Identifiers: Orphanet 140162, MedGen C0027672, MeSH D009386, MONDO:0015356.

Allele frequency attached by ClinVar (database versions not stated): gnomAD exomes below 0.00001 and 0.00001; ExAC 0.00001.
gnomAD v4.1: 3 of 1,607,476 alleles (0.00019%); highest among the groups gnomAD compares: South Asian, 0.0011%; no homozygotes.

Submission:

Ambry Genetics
Classification: Uncertain significance for Hereditary cancer-predisposing syndrome. Last evaluated: 2024-11-05. Review status: criteria provided, single submitter. Criteria: Ambry Variant Classification Scheme 2023. Collection method: clinical testing. Allele origin: germline.
Comment: The p.M335V variant (also known as c.1003A>G), located in coding exon 8 of the STK11 gene, results from an A to G substitution at nucleotide position 1003. The methionine at codon 335 is replaced by valine, an amino acid with highly similar properties. This amino acid position is highly conserved in available vertebrate species. In addition, the in silico prediction for this alteration is inconclusive. Based on the available evidence, the clinical significance of this variant remains unclear.